The following is an entry in ClinVar:

NM_001353345.2(SETD1B):c.3847del (p.Ser1283fs)

Gene: SETD1B (SET domain containing 1B, histone lysine methyltransferase; plus strand). Cytogenetic location: 12q24.31.
Variant type: Deletion.
Coding change: c.3847del on transcript NM_001353345.2 (MANE Select); coding-DNA position 3847, one base deleted (T; older notation c.3847delT).
Protein change: p.Ser1283fs; shifts the reading frame from serine 1283.
Molecular consequence: frameshift variant.
Genome position (GRCh38, 1-based): chr12:121,819,832, T deleted. VCF-style (leftmost placement, unchanged base first): chr12-121819831-GT-G. GRCh37 (hg19) VCF-style: chr12-122257737-GT-G.
Other names: NM_015048.1:c.3718delT; short protein forms S1283fs.
Identifiers: ClinVar variation 2629912 (VCV002629912.1), dbSNP rs2500222599, ClinGen allele CA2695199182.

ClinVar aggregate classification (germline): Likely pathogenic (1 of 4 stars; one submission).

Conditions:
SETD1B-related disorder. Also called: SETD1B-related condition.

Submission:

PreventionGenetics, part of Exact Sciences
Classification: Likely pathogenic for SETD1B-related condition. Last evaluated: 2022-12-29. Review status: criteria provided, single submitter. Criteria: ACMG Guidelines, 2015. Collection method: clinical testing. Allele origin: germline.
Comment: The SETD1B c.3718delT variant is predicted to result in a frameshift and premature protein termination (p.Ser1240Leufs*33). To our knowledge, this variant has not been reported in the literature or in a large population database, indicating this variant is rare. Frameshift variants in SETD1B are expected to be pathogenic. This variant is interpreted as likely pathogenic.